The following is an entry in ClinVar:

NM_001048174.2(MUTYH):c.420+3G>A

Gene: MUTYH (mutY DNA glycosylase; minus strand). Cytogenetic location: 1p34.1.
Variant type: single nucleotide variant.
Coding change: c.420+3G>A on transcript NM_001048174.2 (MANE Select); 3 bases into the intron after coding-DNA position 420, G replaced by A.
Molecular consequence: intron variant.
Genome position (GRCh38, 1-based): chr1:45,332,915, C>T on the plus strand (G>A on the coding strand, the complement: MUTYH is on the minus strand). VCF-style: chr1-45332915-C-T. GRCh37 (hg19) VCF-style: chr1-45798587-C-T.
Other names: c.75+3G>A (NM_001350651.2, NM_001350650.2); c.144+3G>A (NM_001293192.2, NM_001293196.2); c.420+3G>A (NM_001048171.2, NM_001048173.2, NM_001293195.2); c.465+3G>A (NM_001293190.2); c.495+3G>A (NM_012222.3); c.504+3G>A (NM_001128425.2); c.423+3G>A (NM_001048172.2); c.453+3G>A (NM_001293191.2).
Identifiers: ClinVar variation 1518262 (VCV001518262.6), dbSNP rs2149160561, ClinGen allele CA2573132092.

ClinVar aggregate classification (germline): Uncertain significance (1 of 4 stars; one submission).

Conditions:
Familial adenomatous polyposis 2. Also called: MUTYH-associated polyposis; MUTYH-related attenuated familial adenomatous polyposis; COLORECTAL ADENOMATOUS POLYPOSIS, AUTOSOMAL RECESSIVE; ADENOMAS, MULTIPLE COLORECTAL, AUTOSOMAL RECESSIVE; FAP type 2; MUTYH Polyposis. Identifiers: Orphanet 220460, Orphanet 247798, MedGen C3272841, MONDO:0012041, OMIM 608456.

Submission:

Labcorp Genetics (formerly Invitae), Labcorp
Classification: Uncertain significance for Familial adenomatous polyposis 2. Last evaluated: 2021-02-26. Review status: criteria provided, single submitter. Criteria: Invitae Variant Classification Sherloc (09022015). Collection method: clinical testing. Allele origin: germline.
Comment: This sequence change falls in intron 6 of the MUTYH gene. It does not directly change the encoded amino acid sequence of the MUTYH protein. It affects a nucleotide within the consensus splice site of the intron. This variant is not present in population databases (ExAC no frequency). This variant has not been reported in the literature in individuals with MUTYH-related conditions. Nucleotide substitutions within the consensus splice site are a relatively common cause of aberrant splicing (PMID: 17576681, 9536098). Algorithms developed to predict the effect of sequence changes on RNA splicing suggest that this variant is not likely to affect RNA splicing, but this prediction has not been confirmed by published transcriptional studies. In summary, the available evidence is currently insufficient to determine the role of this variant in disease. Therefore, it has been classified as a Variant of Uncertain Significance.

Literature cited by the submitters: PubMed 17576681; PubMed 9536098.